The following is an entry in ClinVar:

NM_001127222.2(CACNA1A):c.2575A>G (p.Arg859Gly)

Gene: CACNA1A (calcium voltage-gated channel subunit alpha1 A; minus strand). Cytogenetic location: 19p13.13.
Variant type: single nucleotide variant.
Coding change: c.2575A>G on transcript NM_001127222.2 (MANE Select); coding-DNA position 2575, A replaced by G.
Protein change: p.Arg859Gly; replaces arginine 859 with glycine.
Molecular consequence: missense variant.
Genome position (GRCh38, 1-based): chr19:13,299,058, T>C on the plus strand (A>G on the coding strand, the complement: CACNA1A is on the minus strand). VCF-style: chr19-13299058-T-C. GRCh37 (hg19) VCF-style: chr19-13409872-T-C.
Other names: c.2587A>G, p.Arg863Gly (NM_000068.4, NM_023035.3); c.2578A>G, p.Arg860Gly (NM_001127221.2, NM_001174080.2); short protein forms R859G, R860G, R863G.
Identifiers: ClinVar variation 2498761 (VCV002498761.29), dbSNP rs2512909008, ClinGen allele CA404343152.

ClinVar aggregate classification (germline): Uncertain significance. Review status: criteria provided, multiple submitters, no conflicts (2 of 4 stars). 2 submissions from 2 submitters: Uncertain significance (2). Last evaluated 2025-11-05.

Conditions:
Developmental and epileptic encephalopathy, 42 (DEE42A). Also called: EPILEPTIC ENCEPHALOPATHY, EARLY INFANTILE, 42A; Epileptic encephalopathy, early infantile, 42; DEVELOPMENTAL AND EPILEPTIC ENCEPHALOPATHY 42A. Identifiers: MedGen C4310716, MONDO:0014917, OMIM 617106.
Episodic ataxia type 2 (EA2). Also called: ATAXIA, EPISODIC, WITH NYSTAGMUS; ATAXIA, FAMILIAL PAROXYSMAL; CEREBELLAR ATAXIA, PAROXYSMAL, ACETAZOLAMIDE-RESPONSIVE; CEREBELLOPATHY, HEREDITARY PAROXYSMAL; EPISODIC ATAXIA, NYSTAGMUS-ASSOCIATED; ACETAZOLAMIDE-RESPONSIVE HEREDITARY PAROXYSMAL CEREBELLAR ATAXIA. Identifiers: Orphanet 97, MedGen C1720416, MONDO:0007163, OMIM 108500.

Allele frequency attached by ClinVar (database versions not stated): gnomAD exomes below 0.00001.
gnomAD v4.1: 2 of 1,605,710 alleles (0.00012%); highest among the groups gnomAD compares: Non-Finnish European, 0.00017%; no homozygotes.

Submissions (2):

Labcorp Genetics (formerly Invitae), Labcorp
Classification: Uncertain significance for Developmental and epileptic encephalopathy, 42; Episodic ataxia type 2. Last evaluated: 2025-11-05. Review status: criteria provided, single submitter. Criteria: Invitae Variant Classification Sherloc (09022015). Collection method: clinical testing. Allele origin: germline.
Comment: This sequence change replaces arginine, which is basic and polar, with glycine, which is neutral and non-polar, at codon 860 of the CACNA1A protein (p.Arg860Gly). This variant is not present in population databases (gnomAD no frequency). This variant has not been reported in the literature in individuals affected with CACNA1A-related conditions. ClinVar contains an entry for this variant (Variation ID: 2498761). Invitae Evidence Modeling of protein sequence and biophysical properties (such as structural, functional, and spatial information, amino acid conservation, physicochemical variation, residue mobility, and thermodynamic stability) indicates that this missense variant is not expected to disrupt CACNA1A protein function with a negative predictive value of 95%. In summary, the available evidence is currently insufficient to determine the role of this variant in disease. Therefore, it has been classified as a Variant of Uncertain Significance.

CeGaT Center for Human Genetics Tuebingen
Classification: Uncertain significance. Last evaluated: 2023-02-01. Review status: criteria provided, single submitter. Criteria: CeGaT Center For Human Genetics Tuebingen Variant Classification Criteria Version 2. Collection method: clinical testing. Allele origin: germline. Affected: yes. Observed: 1 variant allele.
Comment: CACNA1A: PM2, PP2, PP3, BP5